The following is an entry in ClinVar:

NM_001008537.3(NEXMIF):c.2372C>T (p.Thr791Ile)

Gene: NEXMIF (neurite extension and migration factor; minus strand). Cytogenetic location: Xq13.3.
Variant type: single nucleotide variant.
Coding change: c.2372C>T on transcript NM_001008537.3 (MANE Select); coding-DNA position 2372, C replaced by T.
Protein change: p.Thr791Ile; replaces threonine 791 with isoleucine.
Molecular consequence: missense variant.
Genome position (GRCh38, 1-based): chrX:74,742,185, G>A on the plus strand (C>T on the coding strand, the complement: NEXMIF is on the minus strand). VCF-style: chrX-74742185-G-A. GRCh37 (hg19) VCF-style: chrX-73962020-G-A.
Other names: short protein forms T791I.
Identifiers: ClinVar variation 541122 (VCV000541122.9), dbSNP rs1556016474, ClinGen allele CA413668363.

ClinVar aggregate classification (germline): Uncertain significance. Review status: criteria provided, single submitter (1 of 4 stars). 2 submissions from 2 submitters: Uncertain significance (1). 1 of the submissions does not count toward it. Last evaluated 2017-12-05.

Conditions:
NEXMIF-related disorder. Also called: NEXMIF-related condition.

Submissions (2):

Labcorp Genetics (formerly Invitae), Labcorp
Classification: Uncertain significance. Last evaluated: 2017-12-05. Review status: criteria provided, single submitter. Criteria: Invitae Variant Classification Sherloc (09022015). Collection method: clinical testing. Allele origin: germline.
Comment: Algorithms developed to predict the effect of missense changes on protein structure and function do not agree on the potential impact of this missense change (SIFT: "Deleterious"; PolyPhen-2: "Possibly Damaging"; Align-GVGD: "Class C15"). This variant has not been reported in the literature in individuals with KIAA2022-related disease. This variant is not present in population databases (ExAC no frequency). This sequence change replaces threonine with isoleucine at codon 791 of the KIAA2022 protein (p.Thr791Ile). The threonine residue is highly conserved and there is a moderate physicochemical difference between threonine and isoleucine. In summary, the available evidence is currently insufficient to determine the role of this variant in disease. Therefore, it has been classified as a Variant of Uncertain Significance.

PreventionGenetics, part of Exact Sciences
Classification: Uncertain significance for NEXMIF-related condition. Last evaluated: 2024-04-17. Review status: no assertion criteria provided. Collection method: clinical testing. Allele origin: germline. Not counted in ClinVar's aggregate classification.
Comment: The NEXMIF c.2372C>T variant is predicted to result in the amino acid substitution p.Thr791Ile. To our knowledge, this variant has not been reported in the literature or in a large population database, indicating this variant is rare. At this time, the clinical significance of this variant is uncertain due to the absence of conclusive functional and genetic evidence.